The following is an entry in ClinVar:

NM_001374736.1(DST):c.11941A>C (p.Lys3981Gln)

Gene: DST (dystonin; minus strand). Cytogenetic location: 6p12.1.
Variant type: single nucleotide variant.
Coding change: c.11941A>C on transcript NM_001374736.1 (MANE Select); coding-DNA position 11941, A replaced by C.
Protein change: p.Lys3981Gln; replaces lysine 3981 with glutamine.
Molecular consequence: missense variant.
Genome position (GRCh38, 1-based): chr6:56,597,994, T>G on the plus strand (A>C on the coding strand, the complement: DST is on the minus strand). VCF-style: chr6-56597994-T-G. GRCh37 (hg19) VCF-style: chr6-56462792-T-G.
Other names: c.5584A>C, p.Lys1862Gln (NM_001144769.5); c.5170A>C, p.Lys1724Gln (NM_001144770.2); c.11941A>C, p.Lys3981Gln (NM_001374722.1); c.11308A>C, p.Lys3770Gln (NM_001374729.1); c.5050A>C, p.Lys1684Gln (NM_001374730.1, NM_183380.4); c.11968A>C, p.Lys3990Gln (NM_001374734.1); c.4072A>C, p.Lys1358Gln (NM_015548.5); short protein forms K1724Q, K3981Q, K1358Q, K3770Q, K1684Q, K1862Q, K3990Q.
Identifiers: ClinVar variation 969911 (VCV000969911.24), dbSNP rs149342331, ClinGen allele CA3868548.

ClinVar aggregate classification (germline): Conflicting classifications of pathogenicity. Review status: criteria provided, conflicting classifications (1 of 4 stars). 5 submissions from 5 submitters: Uncertain significance (4); Likely benign (1). Last evaluated 2026-09-04.

Conditions:
DST-related disorder. Also called: DST-related disorders; DST-related condition.
Inborn genetic diseases. Identifiers: MedGen C0950123, MeSH D030342.
Hereditary sensory and autonomic neuropathy type 6. Also called: Neuropathy, hereditary sensory and autonomic, type VI; HSAN VI. Identifiers: Orphanet 314381, MedGen C3539003, MONDO:0013839, OMIM 614653.
Epidermolysis bullosa simplex 3, localized or generalized intermediate, with BP230 deficiency (EBS3). Also called: Epidermolysis bullosa simplex, autosomal recessive 2; Epidermolysis bullosa simplex due to BP230 deficiency. Identifiers: Orphanet 412181, MedGen C3809470, MONDO:0014180, OMIM 615425.

Allele frequency attached by ClinVar (database versions not stated): gnomAD exomes 0.00015 and 0.00029; ESP Exome Variant Server 0.00017; TOPMed 0.00019; gnomAD 0.00020 and 0.00023; ExAC 0.00023; 1000 Genomes Project 0.00040; 1000 Genomes Project 30x 0.00047.
gnomAD v4.1: 266 of 1,594,088 alleles (0.017%); highest among the groups gnomAD compares: Middle Eastern, 0.1%; 1 homozygote.

Submissions (5):

PreventionGenetics, part of Exact Sciences
Classification: Uncertain significance for DST-related condition. Last evaluated: 2026-09-04. Review status: criteria provided, single submitter. Criteria: ACMG Guidelines, 2015. Collection method: clinical testing. Allele origin: germline.
Comment: The DST c.5584A>C variant is predicted to result in the amino acid substitution p.Lys1862Gln. To our knowledge, this variant has not been reported in the literature. This variant is reported in 0.14% of alleles in individuals of Ashkenazi Jewish descent in gnomAD. Although we suspect that this variant may be benign, at this time, the clinical significance of this variant is uncertain due to the absence of conclusive functional and genetic evidence.

Labcorp Genetics (formerly Invitae), Labcorp
Classification: Uncertain significance for Epidermolysis bullosa simplex 3, localized or generalized intermediate, with BP230 deficiency; Hereditary sensory and autonomic neuropathy type 6. Last evaluated: 2025-10-27. Review status: criteria provided, single submitter. Criteria: Invitae Variant Classification Sherloc (09022015). Collection method: clinical testing. Allele origin: germline.
Comment: The DST gene has multiple clinically relevant transcripts. This variant occurs in alternate transcript NM_015548.4, and corresponds to NM_001723.5:c.*17523A>C in the primary transcript. This sequence change replaces lysine, which is basic and polar, with glutamine, which is neutral and polar, at codon 1358 of the DST protein (p.Lys1358Gln). This variant is present in population databases (rs149342331, gnomAD 0.1%). This variant has not been reported in the literature in individuals affected with DST-related conditions. ClinVar contains an entry for this variant (Variation ID: 969911). Experimental studies and prediction algorithms are not available or were not evaluated, and the functional significance of this variant is currently unknown. In summary, the available evidence is currently insufficient to determine the role of this variant in disease. Therefore, it has been classified as a Variant of Uncertain Significance.

CeGaT Center for Human Genetics Tuebingen
Classification: Likely benign. Last evaluated: 2024-12-01. Review status: criteria provided, single submitter. Criteria: CeGaT Center For Human Genetics Tuebingen Variant Classification Criteria Version 2. Collection method: clinical testing. Allele origin: germline. Affected: yes. Observed: 1 variant allele.
Comment: DST: BP4

Ambry Genetics
Classification: Uncertain significance for Inborn genetic diseases. Last evaluated: 2020-08-17. Review status: criteria provided, single submitter. Criteria: Ambry Variant Classification Scheme 2023. Collection method: clinical testing. Allele origin: germline.
Comment: The p.K1862Q variant (also known as c.5584A>C), located in coding exon 41 of the DST gene, results from an A to C substitution at nucleotide position 5584. The lysine at codon 1862 is replaced by glutamine, an amino acid with similar properties. This amino acid position is not well conserved in available vertebrate species. In addition, this alteration is predicted to be tolerated by in silico analysis. Since supporting evidence is limited at this time, the clinical significance of this alteration remains unclear.

Breakthrough Genomics
Classification: Uncertain significance. Review status: criteria provided, single submitter. Criteria: ACMG Guidelines, 2015. Collection method: not provided. Allele origin: germline. Inheritance: Autosomal recessive inheritance. Affected: yes.